The following is an entry in ClinVar:

ClinVar aggregate classification (germline): Likely pathogenic (1 of 4 stars; one submission).

Conditions:
Ciliary dyskinesia, primary, 40. Also called: CILIARY DYSKINESIA, PRIMARY, 40, WITH OR WITHOUT SITUS INVERSUS. Identifiers: MedGen C4749028, MONDO:0032664, OMIM 618300.

Submission:

Genetics and Molecular Pathology, SA Pathology
Classification: Likely pathogenic for Ciliary dyskinesia, primary, 40. Last evaluated: 2023-03-24. Review status: criteria provided, single submitter. Criteria: ACMG Guidelines, 2015. Collection method: clinical testing. Allele origin: germline. Inheritance: Autosomal recessive inheritance. Affected: yes.
Comment: The DNAH9 c.2021del variant is classified as Likely Pathogenic (PVS1, PM2) This DNAH9 c.2021del variant is located in exon 12/69 and is predicted to cause a shift in the reading frame at codon 674 and the introduction of a termination codon 10 amino acids downstream (PVS1). This variant is absent from population databases (PM2). This variant has not been reported in dbSNP, ClinVar, HGMD or the scientific literature to date.

NM_001372.4(DNAH9):c.2021del (p.Ser674fs)

Gene: DNAH9 (dynein axonemal heavy chain 9; plus strand). Cytogenetic location: 17p12.
Variant type: Deletion.
Coding change: c.2021del on transcript NM_001372.4 (MANE Select); coding-DNA position 2021, one base deleted (C; older notation c.2021delC).
Protein change: p.Ser674fs; shifts the reading frame from serine 674.
Molecular consequence: frameshift variant.
Genome position (GRCh38, 1-based): chr17:11,647,122, C deleted. VCF-style (leftmost placement, unchanged base first): chr17-11647121-TC-T. GRCh37 (hg19) VCF-style: chr17-11550438-TC-T.
Other names: c.2021delC (NM_001372.4); short protein forms S674fs.
Identifiers: ClinVar variation 2664692 (VCV002664692.1), dbSNP rs2544289649, ClinGen allele CA2573335096.